The following is an entry in ClinVar:

NM_018206.6(VPS35):c.2122A>C (p.Asn708His)

Gene: VPS35 (VPS35 retromer complex component; minus strand). Cytogenetic location: 16q11.2.
Variant type: single nucleotide variant.
Coding change: c.2122A>C on transcript NM_018206.6 (MANE Select); coding-DNA position 2122, A replaced by C.
Protein change: p.Asn708His; replaces asparagine 708 with histidine.
Molecular consequence: missense variant.
Genome position (GRCh38, 1-based): chr16:46,661,807, T>G on the plus strand (A>C on the coding strand, the complement: VPS35 is on the minus strand). VCF-style: chr16-46661807-T-G. GRCh37 (hg19) VCF-style: chr16-46695719-T-G.
Other names: c.2122A>C (NM_018206.5); short protein forms N708H.
Identifiers: ClinVar variation 1621519 (VCV001621519.33), dbSNP rs199940967, ClinGen allele CA8036644.

ClinVar aggregate classification (germline): Benign/Likely benign. Review status: criteria provided, multiple submitters, no conflicts (2 of 4 stars). 3 submissions from 3 submitters: Benign (1); Likely benign (1). 1 of the submissions does not count toward it. Last evaluated 2025-08-16.

Conditions:
Parkinson disease 17 (PARK17). Also called: VPS35-Related Parkinson Disease. Identifiers: Orphanet 411602, MedGen C3280133, MONDO:0013625, OMIM 614203.
VPS35-related disorder. Also called: VPS35-related condition.

Allele frequency attached by ClinVar (database versions not stated): gnomAD 0.00001 and 0.00013; TOPMed 0.00001; gnomAD exomes 0.00052; ExAC 0.00059; 1000 Genomes Project 0.00100; 1000 Genomes Project 30x 0.00109.
gnomAD v4.1: 367 of 1,614,146 alleles (0.023%); highest among the groups gnomAD compares: South Asian, 0.37%; 3 homozygotes.

Submissions (3):

Labcorp Genetics (formerly Invitae), Labcorp
Classification: Benign for Parkinson disease 17. Last evaluated: 2025-08-16. Review status: criteria provided, single submitter. Criteria: Invitae Variant Classification Sherloc (09022015). Collection method: clinical testing. Allele origin: germline.

CeGaT Center for Human Genetics Tuebingen
Classification: Likely benign. Last evaluated: 2023-07-01. Review status: criteria provided, single submitter. Criteria: CeGaT Center For Human Genetics Tuebingen Variant Classification Criteria Version 2. Collection method: clinical testing. Allele origin: germline. Affected: yes. Observed: 1 variant allele.
Comment: VPS35: BS1

PreventionGenetics, part of Exact Sciences
Classification: Likely benign for VPS35-related condition. Last evaluated: 2022-11-07. Review status: no assertion criteria provided. Collection method: clinical testing. Allele origin: germline. Not counted in ClinVar's aggregate classification.
Comment: This variant is classified as likely benign based on ACMG/AMP sequence variant interpretation guidelines (Richards et al. 2015 PMID: 25741868, with internal and published modifications).